The following is an entry in ClinVar:

NM_001040142.2(SCN2A):c.1691G>A (p.Gly564Asp)

Gene: SCN2A (sodium voltage-gated channel alpha subunit 2; plus strand). Cytogenetic location: 2q24.3.
Variant type: single nucleotide variant.
Coding change: c.1691G>A on transcript NM_001040142.2 (MANE Select); coding-DNA position 1691, G replaced by A.
Protein change: p.Gly564Asp; replaces glycine 564 with aspartic acid.
Molecular consequence: missense variant.
Genome position (GRCh38, 1-based): chr2:165,323,175, G>A. VCF-style: chr2-165323175-G-A. GRCh37 (hg19) VCF-style: chr2-166179685-G-A.
Other names: c.1691G>A, p.Gly564Asp (NM_001040143.2, NM_001371246.1, NM_001371247.1 and 1 more transcripts); short protein forms G564D.
Identifiers: ClinVar variation 2924120 (VCV002924120.4), dbSNP rs977679654, ClinGen allele CA59736749.

ClinVar aggregate classification (germline): Uncertain significance. Review status: criteria provided, multiple submitters, no conflicts (2 of 4 stars). 2 submissions from 2 submitters: Uncertain significance (2). Last evaluated 2024-10-16.

Conditions:
Seizures, benign familial infantile, 3 (BFIS3). Also called: Familial neonatal seizures; CONVULSIONS, BENIGN FAMILIAL INFANTILE, 3. Identifiers: Orphanet 140927, Orphanet 306, MedGen C1843140, MONDO:0011904, OMIM 607745.
Developmental and epileptic encephalopathy, 11 (DEE11). Also called: Early infantile epileptic encephalopathy 11. Identifiers: Orphanet 1934, MedGen C3150987, MONDO:0013388, OMIM 613721.

Allele frequency attached by ClinVar (database versions not stated): gnomAD 0.00001; TOPMed 0.00002.
gnomAD v4.1: 5 of 1,613,898 alleles (0.00031%); highest among the groups gnomAD compares: African/African-American, 0.0027%; no homozygotes.

Submissions (2):

Blueprint Genetics
Classification: Uncertain significance. Last evaluated: 2024-10-16. Review status: criteria provided, single submitter. Criteria: ACMG Guidelines, 2015. Collection method: clinical testing. Allele origin: germline.

Labcorp Genetics (formerly Invitae), Labcorp
Classification: Uncertain significance for Seizures, benign familial infantile, 3; Developmental and epileptic encephalopathy, 11. Last evaluated: 2024-05-10. Review status: criteria provided, single submitter. Criteria: Invitae Variant Classification Sherloc (09022015). Collection method: clinical testing. Allele origin: germline.
Comment: This sequence change replaces glycine, which is neutral and non-polar, with aspartic acid, which is acidic and polar, at codon 564 of the SCN2A protein (p.Gly564Asp). This variant is present in population databases (no rsID available, gnomAD 0.002%). This variant has not been reported in the literature in individuals affected with SCN2A-related conditions. Advanced modeling of protein sequence and biophysical properties (such as structural, functional, and spatial information, amino acid conservation, physicochemical variation, residue mobility, and thermodynamic stability) has been performed at Invitae for this missense variant, however the output from this modeling did not meet the statistical confidence thresholds required to predict the impact of this variant on SCN2A protein function. In summary, the available evidence is currently insufficient to determine the role of this variant in disease. Therefore, it has been classified as a Variant of Uncertain Significance.